The following is an entry in ClinVar:

NM_001797.4(CDH11):c.471G>A (p.Pro157=)

Gene: CDH11 (cadherin 11; minus strand). Cytogenetic location: 16q21.
Variant type: single nucleotide variant.
Coding change: c.471G>A on transcript NM_001797.4 (MANE Select); coding-DNA position 471, G replaced by A.
Protein change: p.Pro157=; no amino-acid change (proline 157 retained).
Molecular consequence: synonymous variant.
Genome position (GRCh38, 1-based): chr16:64,998,614, C>T on the plus strand (G>A on the coding strand, the complement: CDH11 is on the minus strand). VCF-style: chr16-64998614-C-T. GRCh37 (hg19) VCF-style: chr16-65032517-C-T.
Other names: c.471G>A, p.Pro157= (NM_001308392.2); c.93G>A, p.Pro31= (NM_001330576.2).
Identifiers: ClinVar variation 3898181 (VCV003898181.7).

ClinVar aggregate classification (germline): Likely benign (1 of 4 stars; one submission).

gnomAD v4.1: 71 of 1,614,038 alleles (0.0044%); highest among the groups gnomAD compares: African/African-American, 0.052%; no homozygotes.

Submission:

CeGaT Center for Human Genetics Tuebingen
Classification: Likely benign. Last evaluated: 2025-04-01. Review status: criteria provided, single submitter. Criteria: CeGaT Center For Human Genetics Tuebingen Variant Classification Criteria Version 2. Collection method: clinical testing. Allele origin: germline. Affected: yes. Observed: 1 variant allele.
Comment: CDH11: BP4, BP7